The following is an entry in ClinVar:

ClinVar aggregate classification (germline): Uncertain significance (1 of 4 stars; one submission).

Submission:

GeneDx
Classification: Uncertain significance. Last evaluated: 2023-12-17. Review status: criteria provided, single submitter. Criteria: GeneDx Variant Classification Process June 2021. Collection method: clinical testing. Allele origin: germline. Affected: yes.
Comment: Has not been previously published as pathogenic or benign to our knowledge; Not observed at significant frequency in large population cohorts (gnomAD); In silico analysis supports that this missense variant has a deleterious effect on protein structure/function

NM_001281775.3(ZMYND8):c.787A>G (p.Lys263Glu)

Gene: ZMYND8 (zinc finger MYND-type containing 8; minus strand). Cytogenetic location: 20q13.12.
Variant type: single nucleotide variant.
Coding change: c.787A>G on transcript NM_001281775.3 (MANE Select); coding-DNA position 787, A replaced by G.
Protein change: p.Lys263Glu; replaces lysine 263 with glutamic acid.
Molecular consequence: missense variant. On other transcripts: 5 prime UTR variant (2).
Genome position (GRCh38, 1-based): chr20:47,287,246, T>C on the plus strand (A>G on the coding strand, the complement: ZMYND8 is on the minus strand). VCF-style: chr20-47287246-T-C. GRCh37 (hg19) VCF-style: chr20-45915990-T-C.
Other names: c.712A>G, p.Lys238Glu (NM_001281771.3, NM_001281777.3, NM_001281778.3 and 4 more transcripts); c.727A>G, p.Lys243Glu (NM_001281772.3, NM_001281773.3, NM_001281774.3 and 1 more transcripts); c.787A>G, p.Lys263Glu (NM_001281776.3, NM_001281783.3, NM_012408.6 and 1 more transcripts); c.-149A>G (NM_001281779.3, NM_001281780.3); c.808A>G, p.Lys270Glu (NM_001363714.1); short protein forms K238E, K243E, K263E, K270E.
Identifiers: ClinVar variation 3365704 (VCV003365704.1).